The following is an entry in ClinVar:

NM_201384.3(PLEC):c.4438G>T (p.Ala1480Ser)

Gene: PLEC (plectin; minus strand). Cytogenetic location: 8q24.3.
Variant type: single nucleotide variant.
Coding change: c.4438G>T on transcript NM_201384.3 (MANE Select); coding-DNA position 4438, G replaced by T.
Protein change: p.Ala1480Ser; replaces alanine 1480 with serine.
Molecular consequence: missense variant.
Genome position (GRCh38, 1-based): chr8:143,925,491, C>A on the plus strand (G>T on the coding strand, the complement: PLEC is on the minus strand). VCF-style: chr8-143925491-C-A. GRCh37 (hg19) VCF-style: chr8-144999659-C-A.
Other names: c.4372G>T, p.Ala1458Ser (NM_201379.3); c.4849G>T, p.Ala1617Ser (NM_201380.4); c.4342G>T, p.Ala1448Ser (NM_201381.3); c.4438G>T, p.Ala1480Ser (NM_201382.4); c.4450G>T, p.Ala1484Ser (NM_201383.3); c.4519G>T, p.Ala1507Ser (NM_000445.5); c.4396G>T, p.Ala1466Ser (NM_201378.4); short protein forms A1458S, A1507S, A1448S, A1466S, A1480S, A1484S, A1617S.
Identifiers: ClinVar variation 661039 (VCV000661039.1), dbSNP rs781915274, ClinGen allele CA4926659.
Genomic context (GRCh38, chr8:143,925,491, plus strand): 5'-GCAAGCGCTCGGCCTCCTCCTGCGCCTGTCGCTTTTGTGCCTCAGCCTCCTCCGCCCGTG[C>A]ACGCAGTGCCTGCAGCTCCCCCTCAGCCCCGCCACGCTGGCGCTCGGTGGCCTCCAACTG-3'
Protein context (NP_958786.1, residues 1470-1490): GAEGELQALR[Ala1480Ser]RAEEAEAQKR

ClinVar aggregate classification (germline): Uncertain significance (1 of 4 stars; one submission).

Conditions:
Epidermolysis bullosa simplex, Ogna type (EBS5A). Also called: Pidermolysis bullosa simplex 5A, Ogna type; EPIDERMOLYSIS BULLOSA SIMPLEX 5A, OGNA TYPE. Identifiers: Orphanet 79401, MedGen C0432317, MONDO:0007555, OMIM 131950.
Autosomal recessive limb-girdle muscular dystrophy type 2Q (LGMDR17). Also called: MUSCULAR DYSTROPHY, LIMB-GIRDLE, AUTOSOMAL RECESSIVE 17. Identifiers: Orphanet 254361, MedGen C3150989, MONDO:0013390, OMIM 613723.
Epidermolysis bullosa simplex with nail dystrophy (EBS5D). Identifiers: MedGen C4225309, MONDO:0014661, OMIM 616487.
Epidermolysis bullosa simplex 5B, with muscular dystrophy (EBS5B). Also called: Epidermolysis bullosa simplex with muscular dystrophy; EPIDERMOLYSIS BULLOSA SIMPLEX AND LIMB-GIRDLE MUSCULAR DYSTROPHY. Identifiers: Orphanet 257, MedGen C2931072, MONDO:0009181, OMIM 226670.
Epidermolysis bullosa simplex 5C, with pyloric atresia (EBS5C). Also called: PLEC-Related Epidermolysis Bullosa with Pyloric Atresia; PLEC1-Related Epidermolysis Bullosa with Pyloric Atresia; Epidermolysis bullosa simplex with pyloric atresia. Identifiers: Orphanet 158684, MedGen C2677349, MONDO:0012807, OMIM 612138.

Allele frequency attached by ClinVar (database versions not stated): ExAC 0.00001.
gnomAD v4.1: 2 of 1,596,230 alleles (0.00013%); highest among the groups gnomAD compares: Non-Finnish European, 0.00017%; no homozygotes.

Submission:

Labcorp Genetics (formerly Invitae), Labcorp
Classification: Uncertain significance for Limb-girdle muscular dystrophy, type 2Q; Epidermolysis bullosa simplex, Ogna type; Epidermolysis bullosa simplex with nail dystrophy; Epidermolysis bullosa simplex with pyloric atresia; Epidermolysa bullosa simplex and limb girdle muscular dystrophy. Last evaluated: 2018-07-10. Review status: criteria provided, single submitter. Criteria: Invitae Variant Classification Sherloc (09022015). Collection method: clinical testing. Allele origin: germline.
Comment: This sequence change replaces alanine with serine at codon 1507 of the PLEC protein (p.Ala1507Ser). The alanine residue is highly conserved and there is a moderate physicochemical difference between alanine and serine. This variant is present in population databases (rs781915274, ExAC 0.002%). This variant has not been reported in the literature in individuals with PLEC-related disease. Algorithms developed to predict the effect of missense changes on protein structure and function are either unavailable or do not agree on the potential impact of this missense change (SIFT: "Tolerated"; PolyPhen-2: "Not Available"; Align-GVGD: "Class C0"). In summary, the available evidence is currently insufficient to determine the role of this variant in disease. Therefore, it has been classified as a Variant of Uncertain Significance.